The following is an entry in ClinVar:

NM_014738.6(TMEM94):c.2583A>G (p.Lys861=)

Gene: TMEM94 (transmembrane protein 94; plus strand). Cytogenetic location: 17q25.1.
Variant type: single nucleotide variant.
Coding change: c.2583A>G on transcript NM_014738.6 (MANE Select); coding-DNA position 2583, A replaced by G.
Protein change: p.Lys861=; no amino-acid change (lysine 861 retained).
Molecular consequence: synonymous variant.
Genome position (GRCh38, 1-based): chr17:75,494,802, A>G. VCF-style: chr17-75494802-A-G. GRCh37 (hg19) VCF-style: chr17-73490883-A-G.
Other names: c.2613A>G, p.Lys871= (NM_001321148.2); c.2595A>G, p.Lys865= (NM_001321149.2); c.2535A>G, p.Lys845= (NM_001351202.2); c.2610A>G, p.Lys870= (NM_001351203.2).
Identifiers: ClinVar variation 2648257 (VCV002648257.24), dbSNP rs1040367629, ClinGen allele CA294054449.

ClinVar aggregate classification (germline): Likely benign (1 of 4 stars; one submission).

Submission:

CeGaT Center for Human Genetics Tuebingen
Classification: Likely benign. Last evaluated: 2022-10-01. Review status: criteria provided, single submitter. Criteria: CeGaT Center For Human Genetics Tuebingen Variant Classification Criteria Version 2. Collection method: clinical testing. Allele origin: germline. Affected: yes. Observed: 1 variant allele.
Comment: TMEM94: PM2:Supporting, BP4, BP7